The following is an entry in ClinVar:

ClinVar aggregate classification (germline): Uncertain significance (1 of 4 stars; one submission).

gnomAD v4.1: 5 of 1,613,476 alleles (0.00031%); highest among the groups gnomAD compares: Admixed American, 0.005%; no homozygotes.

Submission:

Labcorp Genetics (formerly Invitae), Labcorp
Classification: Uncertain significance. Last evaluated: 2026-01-14. Review status: criteria provided, single submitter. Criteria: Invitae Variant Classification Sherloc (09022015). Collection method: clinical testing. Allele origin: germline.
Comment: This sequence change replaces glycine, which is neutral and non-polar, with valine, which is neutral and non-polar, at codon 2479 of the ACAN protein (p.Gly2479Val). This variant is present in population databases (rs775273821, gnomAD 0.003%). This variant has not been reported in the literature in individuals affected with ACAN-related conditions. An algorithm developed to predict the effect of missense changes on protein structure and function (PolyPhen-2) suggests that this variant is likely to be disruptive. In summary, the available evidence is currently insufficient to determine the role of this variant in disease. Therefore, it has been classified as a Variant of Uncertain Significance.

NM_001369268.1(ACAN):c.7550G>T (p.Gly2517Val)

Gene: ACAN (aggrecan; plus strand). Cytogenetic location: 15q26.1.
Variant type: single nucleotide variant.
Coding change: c.7550G>T on transcript NM_001369268.1 (MANE Select); coding-DNA position 7550, G replaced by T.
Protein change: p.Gly2517Val; replaces glycine 2517 with valine.
Molecular consequence: missense variant. On other transcripts: intron variant (1).
Genome position (GRCh38, 1-based): chr15:88,873,944, G>T. VCF-style: chr15-88873944-G-T. GRCh37 (hg19) VCF-style: chr15-89417175-G-T.
Other names: c.7322G>T, p.Gly2441Val (NM_001411096.1); c.7436G>T, p.Gly2479Val (NM_001411097.1, NM_013227.4); c.7220-461G>T (NM_001135.4); short protein forms G2479V, G2441V, G2517V.
Identifiers: ClinVar variation 4780003 (VCV004780003.1).
Genomic context (GRCh38, chr15:88,873,944, plus strand): 5'-TCGGGCAGAAGAAGGACCGGTATGAGATCAATTCCCTGGTGCGGTACCAGTGCACAGAGG[G>T]GTTTGTCCAGCGCCACATGCCCACCATCCGGTGCCAGCCCAGCGGGCACTGGGAGGAGCC-3'
Protein context (NP_001356197.1, residues 2507-2527): NSLVRYQCTE[Gly2517Val]FVQRHMPTIR